The following is an entry in ClinVar:

ClinVar aggregate classification (germline): Likely pathogenic (1 of 4 stars; one submission).

Conditions:
Biotinidase deficiency. Also called: BTD deficiency; Late-onset biotin-responsive multiple carboxylase deficiency; Biotin deficiency. Identifiers: Orphanet 79241, MedGen C0220754, MONDO:0009665, OMIM 253260.

Submission:

Labcorp Genetics (formerly Invitae), Labcorp
Classification: Likely pathogenic for Biotinidase deficiency. Last evaluated: 2024-11-19. Review status: criteria provided, single submitter. Criteria: Invitae Variant Classification Sherloc (09022015). Collection method: clinical testing. Allele origin: germline.
Comment: This sequence change replaces serine, which is neutral and polar, with phenylalanine, which is neutral and non-polar, at codon 124 of the BTD protein (p.Ser124Phe). This variant is not present in population databases (gnomAD no frequency). This missense change has been observed in individual(s) with biotinidase deficiency (internal data). In at least one individual the data is consistent with being in trans (on the opposite chromosome) from a pathogenic variant. Invitae Evidence Modeling of protein sequence and biophysical properties (such as structural, functional, and spatial information, amino acid conservation, physicochemical variation, residue mobility, and thermodynamic stability) indicates that this missense variant is expected to disrupt BTD protein function with a positive predictive value of 95%. In summary, the currently available evidence indicates that the variant is pathogenic, but additional data are needed to prove that conclusively. Therefore, this variant has been classified as Likely Pathogenic.

NM_001370658.1(BTD):c.311C>T (p.Ser104Phe)

Gene: BTD (biotinidase; plus strand). Cytogenetic location: 3p25.1.
Variant type: single nucleotide variant.
Coding change: c.311C>T on transcript NM_001370658.1 (MANE Select); coding-DNA position 311, C replaced by T.
Protein change: p.Ser104Phe; replaces serine 104 with phenylalanine.
Molecular consequence: missense variant.
Genome position (GRCh38, 1-based): chr3:15,641,969, C>T. VCF-style: chr3-15641969-C-T. GRCh37 (hg19) VCF-style: chr3-15683476-C-T.
Other names: c.311C>T, p.Ser104Phe (NM_001407375.1, NM_001407376.1, NM_001407377.1 and 36 more transcripts); c.374C>T, p.Ser125Phe (NM_001407381.1); short protein forms S104F, S125F.
Identifiers: ClinVar variation 3694369 (VCV003694369.2).